The following is an entry in ClinVar:

ClinVar aggregate classification (germline): Uncertain significance. Review status: criteria provided, multiple submitters, no conflicts (2 of 4 stars). 2 submissions from 2 submitters: Uncertain significance (2). Last evaluated 2025-09-28.

Conditions:
Spastic paraplegia. Identifiers: MedGen C0037772, HP:0001258.
Inborn genetic diseases. Identifiers: MedGen C0950123, MeSH D030342.

Allele frequency attached by ClinVar (database versions not stated): gnomAD exomes 0.00004 and 0.00002; ESP Exome Variant Server 0.00008; 1000 Genomes Project 30x 0.00031; TOPMed 0.00005; 1000 Genomes Project 0.00020; ExAC 0.00006.
gnomAD v4.1: 35 of 1,614,126 alleles (0.0022%); highest among the groups gnomAD compares: East Asian, 0.0067%; no homozygotes.

Submissions (2):

Ambry Genetics
Classification: Uncertain significance for Inborn genetic diseases. Last evaluated: 2025-09-28. Review status: criteria provided, single submitter. Criteria: Ambry Variant Classification Scheme 2023. Collection method: clinical testing. Allele origin: germline.

Labcorp Genetics (formerly Invitae), Labcorp
Classification: Uncertain significance for Spastic paraplegia. Last evaluated: 2018-04-28. Review status: criteria provided, single submitter. Criteria: Invitae Variant Classification Sherloc (09022015). Collection method: clinical testing. Allele origin: germline.
Comment: This sequence change replaces serine with isoleucine at codon 85 of the B4GALNT1 protein (p.Ser85Ile). The serine residue is moderately conserved and there is a large physicochemical difference between serine and isoleucine. This variant is present in population databases (rs199725482, ExAC 0.01%). This variant has not been reported in the literature in individuals with B4GALNT1-related disease. Algorithms developed to predict the effect of missense changes on protein structure and function (SIFT, PolyPhen-2, Align-GVGD) all suggest that this variant is likely to be tolerated, but these predictions have not been confirmed by published functional studies and their clinical significance is uncertain. In summary, the available evidence is currently insufficient to determine the role of this variant in disease. Therefore, it has been classified as a Variant of Uncertain Significance.

NM_001478.5(B4GALNT1):c.254G>T (p.Ser85Ile)

Gene: B4GALNT1 (beta-1,4-N-acetyl-galactosaminyltransferase 1; minus strand). Cytogenetic location: 12q13.3.
Variant type: single nucleotide variant.
Coding change: c.254G>T on transcript NM_001478.5 (MANE Select); coding-DNA position 254, G replaced by T.
Protein change: p.Ser85Ile; replaces serine 85 with isoleucine.
Molecular consequence: missense variant. On other transcripts: intron variant (1).
Genome position (GRCh38, 1-based): chr12:57,631,329, C>A on the plus strand (G>T on the coding strand, the complement: B4GALNT1 is on the minus strand). VCF-style: chr12-57631329-C-A. GRCh37 (hg19) VCF-style: chr12-58025112-C-A.
Other names: c.254G>T, p.Ser85Ile (NM_001276469.2); c.219-243G>T (NM_001276468.2); c.254G>T (NM_001478.3); short protein forms S85I.
Identifiers: ClinVar variation 565582 (VCV000565582.9), dbSNP rs199725482, ClinGen allele CA6655842.